The following is an entry in ClinVar:

ClinVar aggregate classification (germline): Uncertain significance (1 of 4 stars; one submission).

Submission:

GeneDx
Classification: Uncertain significance. Last evaluated: 2024-11-05. Review status: criteria provided, single submitter. Criteria: GeneDx Variant Classification Process June 2021. Collection method: clinical testing. Allele origin: germline. Affected: yes.
Comment: Not observed at significant frequency in large population cohorts (gnomAD); In silico analysis indicates that this missense variant does not alter protein structure/function; Has not been previously published as pathogenic or benign to our knowledge

NM_021072.4(HCN1):c.116T>C (p.Leu39Pro)

Gene: HCN1 (hyperpolarization activated cyclic nucleotide gated potassium channel 1; minus strand). Cytogenetic location: 5p12.
Variant type: single nucleotide variant.
Coding change: c.116T>C on transcript NM_021072.4 (MANE Select); coding-DNA position 116, T replaced by C.
Protein change: p.Leu39Pro; replaces leucine 39 with proline.
Molecular consequence: missense variant.
Genome position (GRCh38, 1-based): chr5:45,695,978, A>G on the plus strand (T>C on the coding strand, the complement: HCN1 is on the minus strand). VCF-style: chr5-45695978-A-G. GRCh37 (hg19) VCF-style: chr5-45696080-A-G.
Other names: short protein forms L39P.
Identifiers: ClinVar variation 3897143 (VCV003897143.1).